The following is an entry in ClinVar:

NM_012062.5(DNM1L):c.1708-4del

Gene: DNM1L (dynamin 1L; plus strand). Cytogenetic location: 12p11.21.
Variant type: Deletion.
Coding change: c.1708-4del on transcript NM_012062.5 (MANE Select); 4 bases into the intron before coding-DNA position 1708, one base deleted (T; older notation c.1708-4delT).
Molecular consequence: intron variant.
Genome position (GRCh38, 1-based): chr12:32,740,060, T deleted; the last of 6 consecutive T bases (chr12:32,740,055-32,740,060); deleting any one gives the same sequence. VCF-style (leftmost placement, unchanged base first): chr12-32740054-GT-G. GRCh37 (hg19) VCF-style: chr12-32892988-GT-G.
Other names: c.1708-4delT (NM_012062.3, NM_012062.4); c.1747-4del (NM_001278464.2); c.1714-4del (NM_001278465.2); c.1636-4del (NM_001330380.2); c.1099-4del (NM_001278466.2); c.1675-4del (NM_001278463.2); c.1630-4del (NM_012063.4); c.1597-4del (NM_005690.5).
Identifiers: ClinVar variation 516371 (VCV000516371.11), dbSNP rs752743840, ClinGen allele CA6507686.
Genomic context (GRCh38, chr12:32,740,054, plus strand): 5'-TAAAATGAACTTTGTTTTAGTTAAGGTCAGATATGATGTGGTTGGTATGTTTTGGAACAT[GT>G]TTTTTCAGGTTGCATCTGGAGGTGGTGGGGTTGGAGATGGTGTTCAAGAACCAACCACAG-3'

ClinVar aggregate classification (germline): Benign/Likely benign. Review status: criteria provided, multiple submitters, no conflicts (2 of 4 stars). 5 submissions from 5 submitters: Benign (1); Likely benign (4). Last evaluated 2026-01-13.

Conditions:
DNM1L-related disorder. Also called: DNM1L-related condition.
Inborn genetic diseases. Identifiers: MedGen C0950123, MeSH D030342.

Submissions (5):

Labcorp Genetics (formerly Invitae), Labcorp
Classification: Benign. Last evaluated: 2026-01-13. Review status: criteria provided, single submitter. Criteria: Invitae Variant Classification Sherloc (09022015). Collection method: clinical testing. Allele origin: germline.

PreventionGenetics, part of Exact Sciences
Classification: Likely benign for DNM1L-related condition. Last evaluated: 2026-01-13. Review status: criteria provided, single submitter. Criteria: ACMG Guidelines, 2015. Collection method: clinical testing. Allele origin: germline.
Comment: This variant is classified as likely benign based on ACMG/AMP sequence variant interpretation guidelines (Richards et al. 2015 PMID: 25741868, with internal and published modifications).

Blueprint Genetics
Classification: Likely benign. Last evaluated: 2024-08-12. Review status: criteria provided, single submitter. Criteria: ACMG Guidelines, 2015. Collection method: clinical testing. Allele origin: germline.

Ambry Genetics
Classification: Likely benign for Inborn genetic diseases. Last evaluated: 2023-11-01. Review status: criteria provided, single submitter. Criteria: Ambry Variant Classification Scheme 2023. Collection method: clinical testing. Allele origin: germline.

GeneDx
Classification: Likely benign. Last evaluated: 2017-07-24. Review status: criteria provided, single submitter. Criteria: GeneDx Variant Classification (06012015). Collection method: clinical testing. Allele origin: germline. Affected: yes.
Comment: This variant is considered likely benign or benign based on one or more of the following criteria: it is a conservative change, it occurs at a poorly conserved position in the protein, it is predicted to be benign by multiple in silico algorithms, and/or has population frequency not consistent with disease.